The following is an entry in ClinVar:

NM_001369.3(DNAH5):c.282A>G (p.Gln94=)

Gene: DNAH5 (dynein axonemal heavy chain 5; minus strand). Cytogenetic location: 5p15.2.
Variant type: single nucleotide variant.
Coding change: c.282A>G on transcript NM_001369.3 (MANE Select); coding-DNA position 282, A replaced by G.
Protein change: p.Gln94=; no amino-acid change (glutamine 94 retained).
Molecular consequence: synonymous variant.
Genome position (GRCh38, 1-based): chr5:13,923,436, T>C on the plus strand (A>G on the coding strand, the complement: DNAH5 is on the minus strand). VCF-style: chr5-13923436-T-C. GRCh37 (hg19) VCF-style: chr5-13923545-T-C.
Identifiers: ClinVar variation 3221502 (VCV003221502.1), dbSNP rs778984269, ClinGen allele CA3205219.

ClinVar aggregate classification (germline): Uncertain significance (1 of 4 stars; one submission).

Conditions:
Primary ciliary dyskinesia. Also called: Ciliary dyskinesia. Identifiers: Orphanet 244, MedGen C0008780, MONDO:0016575, HP:0012265.

Allele frequency attached by ClinVar (database versions not stated): TOPMed below 0.00001; ExAC 0.00002.
gnomAD v4.1: 15 of 1,614,070 alleles (0.00093%); highest among the groups gnomAD compares: Non-Finnish European, 0.0013%; no homozygotes.

Submission:

Ambry Genetics
Classification: Uncertain significance for Primary ciliary dyskinesia. Last evaluated: 2023-12-28. Review status: criteria provided, single submitter. Criteria: Ambry Variant Classification Scheme 2023. Collection method: clinical testing. Allele origin: germline.
Comment: The c.282A>G variant (also known as p.Q94Q), located in coding exon 4 of the DNAH5 gene, results from an A to G substitution at nucleotide position 282. This nucleotide substitution does not change the at codon 94. This nucleotide position is not well conserved in available vertebrate species. In silico splice site analysis predicts that this alteration may result in the creation or strengthening of a novel splice acceptor site. Since supporting evidence is limited at this time, the clinical significance of this alteration remains unclear.